The following is an entry in ClinVar:

NM_001197104.2(KMT2A):c.2062T>A (p.Phe688Ile)

Gene: KMT2A (lysine methyltransferase 2A; plus strand). Cytogenetic location: 11q23.3.
Variant type: single nucleotide variant.
Coding change: c.2062T>A on transcript NM_001197104.2 (MANE Select); coding-DNA position 2062, T replaced by A.
Protein change: p.Phe688Ile; replaces phenylalanine 688 with isoleucine.
Molecular consequence: missense variant.
Genome position (GRCh38, 1-based): chr11:118,473,221, T>A. VCF-style: chr11-118473221-T-A. GRCh37 (hg19) VCF-style: chr11-118343936-T-A.
Other names: c.2062T>A, p.Phe688Ile (NM_005933.4); short protein forms F688I.
Identifiers: ClinVar variation 1186468 (VCV001186468.34), dbSNP rs369566552, ClinGen allele CA382812317.

ClinVar aggregate classification (germline): Conflicting classifications of pathogenicity. Review status: criteria provided, conflicting classifications (1 of 4 stars). 3 submissions from 3 submitters: Uncertain significance (2); Likely benign (1). Last evaluated 2025-10-16.

gnomAD v4.1: 30 of 1,612,620 alleles (0.0019%); highest among the groups gnomAD compares: Non-Finnish European, 0.0025%; no homozygotes.

Submissions (3):

Labcorp Genetics (formerly Invitae), Labcorp
Classification: Uncertain significance. Last evaluated: 2025-10-16. Review status: criteria provided, single submitter. Criteria: Invitae Variant Classification Sherloc (09022015). Collection method: clinical testing. Allele origin: germline.
Comment: This sequence change replaces phenylalanine, which is neutral and non-polar, with isoleucine, which is neutral and non-polar, at codon 688 of the KMT2A protein (p.Phe688Ile). This variant is present in population databases (no rsID available, gnomAD 0.004%). This variant has not been reported in the literature in individuals affected with KMT2A-related conditions. ClinVar contains an entry for this variant (Variation ID: 1186468). Invitae Evidence Modeling of protein sequence and biophysical properties (such as structural, functional, and spatial information, amino acid conservation, physicochemical variation, residue mobility, and thermodynamic stability) indicates that this missense variant is expected to disrupt KMT2A protein function with a positive predictive value of 95%. In summary, the available evidence is currently insufficient to determine the role of this variant in disease. Therefore, it has been classified as a Variant of Uncertain Significance.

CeGaT Center for Human Genetics Tuebingen
Classification: Uncertain significance. Last evaluated: 2022-09-01. Review status: criteria provided, single submitter. Criteria: CeGaT Center For Human Genetics Tuebingen Variant Classification Criteria Version 2. Collection method: clinical testing. Allele origin: germline. Affected: yes. Observed: 1 variant allele.
Comment: KMT2A: PP3

GeneDx
Classification: Likely benign. Last evaluated: 2021-02-22. Review status: criteria provided, single submitter. Criteria: GeneDx Variant Classification Process June 2021. Collection method: clinical testing. Allele origin: germline. Affected: yes.